The following is an entry in ClinVar:

NC_000012.11:g.(?_88510800)_(88510932_?)del

Gene: CEP290 (centrosomal protein 290; minus strand). Cytogenetic location: 12q21.32.
Variant type: Deletion.
Identifiers: ClinVar variation 2426911 (VCV002426911.6).

ClinVar aggregate classification (germline): Pathogenic (1 of 4 stars; one submission).

Conditions:
Joubert syndrome. Also called: CEREBELLOPARENCHYMAL DISORDER IV; JOUBERT-BOLTSHAUSER SYNDROME; Familial aplasia of the vermis. Identifiers: Orphanet 475, MedGen C5979921, MONDO:0018772.
Nephronophthisis. Also called: Juvenile Nephronophthisis. Identifiers: Orphanet 655, MedGen C0687120, MONDO:0019005, HP:0000090.
Meckel-Gruber syndrome. Also called: DYSENCEPHALIA SPLANCHNOCYSTICA; GRUBER SYNDROME; Dysencephalia splachnocystica. Identifiers: Orphanet 564, MedGen C0265215, MONDO:0018921.

Submission:

Labcorp Genetics (formerly Invitae), Labcorp
Classification: Pathogenic for Joubert syndrome; Meckel-Gruber syndrome; Nephronophthisis. Last evaluated: 2022-07-22. Review status: criteria provided, single submitter. Criteria: Invitae Variant Classification Sherloc (09022015). Collection method: clinical testing. Allele origin: germline.
Comment: This variant is a gross deletion of the genomic region encompassing exon(s) 18 of the CEP290 gene. This deletion is out-of-frame, and is expected to create a premature termination codon and result in an absent or disrupted protein product. Loss-of-function variants in CEP290 are known to be pathogenic (PMID: 16909394, 17345604, 20690115). For these reasons, this variant has been classified as Pathogenic. This variant has not been reported in the literature in individuals affected with CEP290-related conditions.

Literature cited by the submitters: PubMed 16909394; PubMed 17345604; PubMed 20690115.